The following is an entry in ClinVar:

NM_207361.6(FREM2):c.4172G>A (p.Arg1391Gln)

Gene: FREM2 (FRAS1 related extracellular matrix 2; plus strand). Cytogenetic location: 13q13.3.
Variant type: single nucleotide variant.
Coding change: c.4172G>A on transcript NM_207361.6 (MANE Select); coding-DNA position 4172, G replaced by A.
Protein change: p.Arg1391Gln; replaces arginine 1391 with glutamine.
Molecular consequence: missense variant.
Genome position (GRCh38, 1-based): chr13:38,691,516, G>A. VCF-style: chr13-38691516-G-A. GRCh37 (hg19) VCF-style: chr13-39265653-G-A.
Other names: short protein forms R1391Q.
Identifiers: ClinVar variation 883419 (VCV000883419.6), dbSNP rs1367167650, ClinGen allele CA387892571.

ClinVar aggregate classification (germline): Uncertain significance. Review status: criteria provided, multiple submitters, no conflicts (2 of 4 stars). 3 submissions from 3 submitters: Uncertain significance (3). Last evaluated 2022-08-19.

Conditions:
Fraser syndrome 2 (FRASRS2). Identifiers: MedGen C4540036, MONDO:0054738, OMIM 617666.
Isolated cryptophthalmia. Also called: Cryptophthalmos, unilateral or bilateral, isolated; ANKYLOBLEPHARON, SIMPLE. Identifiers: Orphanet 91396, MedGen C1852453, MONDO:0007410, OMIM 123570.

Allele frequency attached by ClinVar (database versions not stated): gnomAD 0.00001; gnomAD exomes 0.00001; TOPMed 0.00002.
gnomAD v4.1: 49 of 1,613,970 alleles (0.003%); highest among the groups gnomAD compares: Middle Eastern, 0.033%; no homozygotes.

Submissions (3):

Labcorp Genetics (formerly Invitae), Labcorp
Classification: Uncertain significance. Last evaluated: 2022-08-19. Review status: criteria provided, single submitter. Criteria: Invitae Variant Classification Sherloc (09022015). Collection method: clinical testing. Allele origin: germline.
Comment: This sequence change replaces arginine, which is basic and polar, with glutamine, which is neutral and polar, at codon 1391 of the FREM2 protein (p.Arg1391Gln). This variant is present in population databases (no rsID available, gnomAD 0.002%). This variant has not been reported in the literature in individuals affected with FREM2-related conditions. ClinVar contains an entry for this variant (Variation ID: 883419). Algorithms developed to predict the effect of missense changes on protein structure and function output the following: SIFT: "Deleterious"; PolyPhen-2: "Benign"; Align-GVGD: "Class C0". The glutamine amino acid residue is found in multiple mammalian species, which suggests that this missense change does not adversely affect protein function. In summary, the available evidence is currently insufficient to determine the role of this variant in disease. Therefore, it has been classified as a Variant of Uncertain Significance.

Fulgent Genetics
Classification: Uncertain significance for Isolated cryptophthalmia; Fraser syndrome 2. Last evaluated: 2021-07-15. Review status: criteria provided, single submitter. Criteria: ACMG Guidelines, 2015. Collection method: clinical testing. Allele origin: unknown.

Illumina Laboratory Services, Illumina
Classification: Uncertain significance for Fraser syndrome 2. Last evaluated: 2018-03-30. Review status: criteria provided, single submitter. Criteria: ICSL Variant Classification Criteria 13 December 2019. Collection method: clinical testing. Allele origin: germline.